The following is an entry in ClinVar:

NM_138694.4(PKHD1):c.6629G>A (p.Gly2210Glu)

Gene: PKHD1 (PKHD1 ciliary IPT domain containing fibrocystin/polyductin; minus strand). Cytogenetic location: 6p12.2.
Variant type: single nucleotide variant.
Coding change: c.6629G>A on transcript NM_138694.4 (MANE Select); coding-DNA position 6629, G replaced by A.
Protein change: p.Gly2210Glu; replaces glycine 2210 with glutamic acid.
Molecular consequence: missense variant.
Genome position (GRCh38, 1-based): chr6:51,909,336, C>T on the plus strand (G>A on the coding strand, the complement: PKHD1 is on the minus strand). VCF-style: chr6-51909336-C-T. GRCh37 (hg19) VCF-style: chr6-51774134-C-T.
Other names: c.6629G>A, p.Gly2210Glu (NM_170724.3); short protein forms G2210E.
Identifiers: ClinVar variation 2412881 (VCV002412881.6), dbSNP rs2536622190, ClinGen allele CA364434377.

ClinVar aggregate classification (germline): Conflicting classifications of pathogenicity. Review status: criteria provided, conflicting classifications (1 of 4 stars). 3 submissions from 3 submitters: Pathogenic (1); Uncertain significance (2). Last evaluated 2025-07-16.

Conditions:
Autosomal recessive polycystic kidney disease (ARPKD). Also called: AR polycystic kidney disease. Identifiers: Orphanet 731, Orphanet 8378, MedGen C0085548, MeSH D017044, MONDO:0009889.
Polycystic kidney disease 4 (PKD4). Also called: POLYCYSTIC KIDNEY AND HEPATIC DISEASE 1; POLYCYSTIC KIDNEY DISEASE, INFANTILE, TYPE I; Autosomal Recessive Polycystic Kidney Disease – PKHD1; PKD3; POLYCYSTIC KIDNEY DISEASE 4 WITH OR WITHOUT POLYCYSTIC LIVER DISEASE. Identifiers: MedGen C4540575, MONDO:0033004, OMIM 263200.

Allele frequency attached by ClinVar (database versions not stated): gnomAD exomes below 0.00001.
gnomAD v4.1: 5 of 1,613,542 alleles (0.00031%); highest among the groups gnomAD compares: Non-Finnish European, 0.00042%; no homozygotes.

Submissions (3):

Myriad Genetics, Inc.
Classification: Uncertain significance for Polycystic kidney disease 4. Last evaluated: 2025-07-16. Review status: criteria provided, single submitter. Criteria: Myriad Autosomal Dominant, Autosomal Recessive and X-Linked Classification Criteria (2023). Collection method: clinical testing. Allele origin: unknown.
Comment: NM_138694.3(PKHD1):c.6629G>A(G2210E) is a missense variant classified as a variant of uncertain significance in the context of PKHD1-related autosomal recessive polycystic kidney disease. G2210E has been observed in cases with relevant disease (PMID: 19914852, 27752906). Relevant functional assessments of this variant are not available in the literature. G2210E has not been observed in referenced population frequency databases. In summary, there is insufficient evidence to classify NM_138694.3(PKHD1):c.6629G>A(G2210E) as pathogenic or benign. Please note: this variant was assessed in the context of healthy population screening.

Labcorp Genetics (formerly Invitae), Labcorp
Classification: Pathogenic for Autosomal recessive polycystic kidney disease. Last evaluated: 2023-12-24. Review status: criteria provided, single submitter. Criteria: Invitae Variant Classification Sherloc (09022015). Collection method: clinical testing. Allele origin: germline.
Comment: This sequence change replaces glycine, which is neutral and non-polar, with glutamic acid, which is acidic and polar, at codon 2210 of the PKHD1 protein (p.Gly2210Glu). This variant is not present in population databases (gnomAD no frequency). This missense change has been observed in individual(s) with autosomal recessive polycystic kidney disease (PMID: 19914852). In at least one individual the data is consistent with being in trans (on the opposite chromosome) from a pathogenic variant. ClinVar contains an entry for this variant (Variation ID: 2412881). Advanced modeling of protein sequence and biophysical properties (such as structural, functional, and spatial information, amino acid conservation, physicochemical variation, residue mobility, and thermodynamic stability) performed at Invitae indicates that this missense variant is expected to disrupt PKHD1 protein function with a positive predictive value of 95%. For these reasons, this variant has been classified as Pathogenic.

GeneDx
Classification: Uncertain significance. Last evaluated: 2022-07-28. Review status: criteria provided, single submitter. Criteria: GeneDx Variant Classification Process June 2021. Collection method: clinical testing. Allele origin: germline. Affected: yes.
Comment: Not observed at significant frequency in large population cohorts (gnomAD); In silico analysis supports that this missense variant has a deleterious effect on protein structure/function; Reported with additional variants (phase unknown) in unrelated patients with polycystic kidney disease in published literature (Gunay-Aygun et al., 2010; Tong et al., 2016); This variant is associated with the following publications: (PMID: 19914852, 27752906)

Literature cited by the submitters: PubMed 19914852 (cited by Myriad Genetics, Inc. and Labcorp Genetics (formerly Invitae), Labcorp); PubMed 27752906 (cited by Myriad Genetics, Inc.).